The following is an entry in ClinVar:

ClinVar aggregate classification (germline): Pathogenic (1 of 4 stars; one submission).

Conditions:
Hereditary spastic paraplegia 31. Also called: SPASTIC PARAPLEGIA 31, AUTOSOMAL DOMINANT. Identifiers: Orphanet 101011, MedGen C1853247, MONDO:0012453, OMIM 610250.

Submission:

Labcorp Genetics (formerly Invitae), Labcorp
Classification: Pathogenic for Hereditary spastic paraplegia 31. Last evaluated: 2023-06-27. Review status: criteria provided, single submitter. Criteria: Invitae Variant Classification Sherloc (09022015). Collection method: clinical testing. Allele origin: germline.
Comment: This variant results in an extension of the REEP1 protein. Other variant(s) that result in a similarly extended protein product (p.Pro171Hisfs*52, p.Arg177Glyfs*46, p.Ser179Argfs*43) have been observed in individuals with REEP1-related disease (PMID: 16826527, 18321925). This suggests that these extensions may be clinically significant. ClinVar contains an entry for this variant (Variation ID: 579902). This frameshift has been observed in individuals with hereditary spastic paraplegia (Invitae). This variant is not present in population databases (gnomAD no frequency). This sequence change results in a frameshift in the REEP1 gene (p.Ala166Leufs*57). While this is not anticipated to result in nonsense mediated decay, it is expected to disrupt the last 36 amino acid(s) of the REEP1 protein and extend the protein by 20 additional amino acid residues. For these reasons, this variant has been classified as Pathogenic.

Literature cited by the submitters: PubMed 16826527; PubMed 18321925.

NM_001371279.1(REEP1):c.495del (p.Ala166fs)

Gene: REEP1 (receptor accessory protein 1; minus strand). Cytogenetic location: 2p11.2.
Variant type: Deletion.
Coding change: c.495del on transcript NM_001371279.1 (MANE Select); coding-DNA position 495, one base deleted (T; older notation c.495delT).
Protein change: p.Ala166fs; shifts the reading frame from alanine 166.
Molecular consequence: frameshift variant. On other transcripts: intron variant (1).
Genome position (GRCh38, 1-based): chr2:86,232,725, A deleted on the plus strand (T on the coding strand, the reverse complement: REEP1 is on the minus strand). VCF-style (leftmost placement, unchanged base first): chr2-86232724-CA-C. GRCh37 (hg19) VCF-style: chr2-86459847-CA-C.
Other names: c.495delT (NM_022912.2); c.516del, p.Ala173fs (NM_001164730.2); c.414del, p.Ala139fs (NM_001164731.2); c.260del, p.Leu87fs (NM_001164732.2); c.495del, p.Ala166fs (NM_022912.3); c.418-15615del (NM_001371280.1); short protein forms A166fs, L87fs, A139fs, A173fs.
Identifiers: ClinVar variation 579902 (VCV000579902.10), dbSNP rs1558875298, ClinGen allele CA891842527.